The following is an entry in ClinVar:

NM_032119.4(ADGRV1):c.15596C>G (p.Pro5199Arg)

Gene: ADGRV1 (adhesion G protein-coupled receptor V1; plus strand). Cytogenetic location: 5q14.3.
Variant type: single nucleotide variant.
Coding change: c.15596C>G on transcript NM_032119.4 (MANE Select); coding-DNA position 15596, C replaced by G.
Protein change: p.Pro5199Arg; replaces proline 5199 with arginine.
Molecular consequence: missense variant. On other transcripts: non-coding transcript variant (1).
Genome position (GRCh38, 1-based): chr5:90,810,856, C>G. VCF-style: chr5-90810856-C-G. GRCh37 (hg19) VCF-style: chr5-90106673-C-G.
Other names: short protein forms P5199R.
Identifiers: ClinVar variation 2061157 (VCV002061157.4), dbSNP rs1328406779, ClinGen allele CA360410178.

ClinVar aggregate classification (germline): Uncertain significance (1 of 4 stars; one submission).

Allele frequency attached by ClinVar (database versions not stated): gnomAD exomes below 0.00001.
gnomAD v4.1: 1 of 1,614,024 alleles (0.000062%); highest among the groups gnomAD compares: Non-Finnish European, 0.000085%; no homozygotes.

Submission:

Labcorp Genetics (formerly Invitae), Labcorp
Classification: Uncertain significance. Last evaluated: 2024-11-05. Review status: criteria provided, single submitter. Criteria: Invitae Variant Classification Sherloc (09022015). Collection method: clinical testing. Allele origin: germline.
Comment: This sequence change replaces proline, which is neutral and non-polar, with arginine, which is basic and polar, at codon 5199 of the ADGRV1 protein (p.Pro5199Arg). This variant is present in population databases (no rsID available, gnomAD 0.006%). This variant has not been reported in the literature in individuals affected with ADGRV1-related conditions. ClinVar contains an entry for this variant (Variation ID: 2061157). An algorithm developed to predict the effect of missense changes on protein structure and function (PolyPhen-2) suggests that this variant is likely to be disruptive. In summary, the available evidence is currently insufficient to determine the role of this variant in disease. Therefore, it has been classified as a Variant of Uncertain Significance.